The following is an entry in ClinVar:

ClinVar aggregate classification (germline): Uncertain significance (1 of 4 stars; one submission).

Submission:

Greenwood Genetic Center Diagnostic Laboratories, Greenwood Genetic Center
Classification: Uncertain significance. Last evaluated: 2021-01-22. Review status: criteria provided, single submitter. Criteria: ACMG Guidelines, 2015. Collection method: clinical testing. Allele origin: germline. Affected: yes.
Comment: PM1, PM2

NM_130466.4(UBE3B):c.3141G>C (p.Lys1047Asn)

Gene: UBE3B (ubiquitin protein ligase E3B; plus strand). Cytogenetic location: 12q24.11.
Variant type: single nucleotide variant.
Coding change: c.3141G>C on transcript NM_130466.4 (MANE Select); coding-DNA position 3141, G replaced by C.
Protein change: p.Lys1047Asn; replaces lysine 1047 with asparagine.
Molecular consequence: missense variant.
Genome position (GRCh38, 1-based): chr12:109,534,716, G>C. VCF-style: chr12-109534716-G-C. GRCh37 (hg19) VCF-style: chr12-109972521-G-C.
Other names: c.3141G>C, p.Lys1047Asn (NM_183415.3); short protein forms K1047N.
Identifiers: ClinVar variation 1331659 (VCV001331659.4), dbSNP rs2136156549, ClinGen allele CA386631984.